The following is an entry in ClinVar:

NM_000939.4(POMC):c.280AGCAGCGGC[1] (p.94SSG[1])

Gene: POMC (proopiomelanocortin; minus strand). Cytogenetic location: 2p23.3.
Variant type: Microsatellite.
Coding change: c.280AGCAGCGGC[1] on transcript NM_000939.4 (MANE Select); one copy of the 9-base unit AGCAGCGGC starting at c.280; the reference has two copies in a row; one copy, 9 bases deleted.
Protein change: p.94SSG[1].
Molecular consequence: inframe deletion.
Genome position (GRCh38, 1-based): chr2:25,161,588-25,161,596, GCCGCTGCT deleted on the plus strand (AGCAGCGGC on the coding strand, the reverse complement: POMC is on the minus strand); deleting any 9 consecutive bases within chr2:25,161,588-25,161,607 gives the same sequence; the position shown is the placement nearest the transcript's 3' end. VCF-style (leftmost placement, unchanged base first): chr2-25161587-CGCCGCTGCT-C. GRCh37 (hg19) VCF-style: chr2-25384456-CGCCGCTGCT-C.
Other names: c.280AGCAGCGGC[1], p.94SSG[1] (NM_001035256.3, NM_001319204.2, NM_001319205.2).
Identifiers: ClinVar variation 3357045 (VCV003357045.1).

ClinVar aggregate classification (germline): Uncertain significance (0 of 4 stars; one submission).

Conditions:
POMC-related disorder. Also called: POMC-related disorders; POMC-related condition.

Submission:

PreventionGenetics, part of Exact Sciences
Classification: Uncertain significance for POMC-related condition. Last evaluated: 2024-06-10. Review status: no assertion criteria provided. Collection method: clinical testing. Allele origin: germline.
Comment: The POMC c.289_297del9 variant is predicted to result in an in-frame deletion (p.Ser97_Gly99del). To our knowledge, this variant has not been reported in the literature. This variant is reported in 0.015% of alleles in individuals of African descent in gnomAD. At this time, the clinical significance of this variant is uncertain due to the absence of conclusive functional and genetic evidence.